The following is an entry in ClinVar:

NM_000260.4(MYO7A):c.1534dup (p.Glu512fs)

Gene: MYO7A (myosin VIIA; plus strand). Cytogenetic location: 11q13.5.
Variant type: Duplication.
Coding change: c.1534dup on transcript NM_000260.4 (MANE Select); coding-DNA position 1534, one base duplicated (G; older notation c.1534dupG).
Protein change: p.Glu512fs; shifts the reading frame from glutamic acid 512.
Molecular consequence: frameshift variant.
Genome position (GRCh38, 1-based): chr11:77,162,310, G duplicated. VCF-style (leftmost placement, unchanged base first): chr11-77162309-T-TG. GRCh37 (hg19) VCF-style: chr11-76873355-T-TG.
Other names: c.1534dup, p.Glu512fs (NM_001127180.2); c.1501dup, p.Glu501fs (NM_001369365.1); short protein forms E501fs, E512fs.
Identifiers: ClinVar variation 3601452 (VCV003601452.1).

ClinVar aggregate classification (germline): Pathogenic (1 of 4 stars; one submission).

Conditions:
Autosomal recessive nonsyndromic hearing loss 2. Also called: NEUROSENSORY NONSYNDROMIC RECESSIVE DEAFNESS 2; DEAFNESS, AUTOSOMAL RECESSIVE 2. Identifiers: Orphanet 90636, MedGen C1838701, MONDO:0010807, OMIM 600060.

Submission:

Institute of Rare Diseases, West China Hospital, Sichuan University
Classification: Pathogenic for Autosomal recessive nonsyndromic hearing loss 2. Last evaluated: 2025-01-09. Review status: criteria provided, single submitter. Criteria: ClinGen HL ACMG Specifications v1. Collection method: research. Allele origin: germline. Affected: yes.
Comment: PVS1;PM3;PM2_Supporting